The following is an entry in ClinVar:

ClinVar aggregate classification (germline): Likely pathogenic (1 of 4 stars; one submission).

Conditions:
Corneal dystrophy, Fuchs endothelial, 6 (FECD6). Identifiers: Orphanet 98974, MedGen C2750448, MONDO:0013206, OMIM 613270.
Posterior polymorphous corneal dystrophy 3 (PPCD3). Identifiers: Orphanet 98973, MedGen C1836724, MONDO:0012200, OMIM 609141.

gnomAD v4.1: 3 of 1,613,856 alleles (0.00019%); highest among the groups gnomAD compares: Non-Finnish European, 0.00025%; no homozygotes.

Submission:

Juno Genomics, Hangzhou Juno Genomics, Inc
Classification: Likely pathogenic for Corneal dystrophy, Fuchs endothelial, 6; Posterior polymorphous corneal dystrophy 3. Review status: criteria provided, single submitter. Criteria: ACMG Guidelines, 2015. Collection method: clinical testing. Allele origin: germline.
Comment: Absent from controls (or at extremely low frequency if recessive) in Genome Aggregation Database.;Null variant in a gene where loss of function (LOF) is a known mechanism of disease.

NM_001174096.2(ZEB1):c.904C>T (p.Arg302Ter)

Gene: ZEB1 (zinc finger E-box binding homeobox 1; plus strand). Cytogenetic location: 10p11.22.
Variant type: single nucleotide variant.
Coding change: c.904C>T on transcript NM_001174096.2 (MANE Select); coding-DNA position 904, C replaced by T.
Protein change: p.Arg302Ter; replaces arginine 302 with a stop codon.
Molecular consequence: nonsense.
Genome position (GRCh38, 1-based): chr10:31,520,236, C>T. VCF-style: chr10-31520236-C-T. GRCh37 (hg19) VCF-style: chr10-31809164-C-T.
Other names: c.853C>T, p.Arg285Ter (NM_001128128.3); c.841C>T, p.Arg281Ter (NM_001174093.2); c.850C>T, p.Arg284Ter (NM_001174094.2); c.700C>T, p.Arg234Ter (NM_001174095.2); c.247C>T, p.Arg83Ter (NM_001323638.2, NM_001323641.2, NM_001323642.2 and 27 more transcripts); c.862C>T, p.Arg288Ter (NM_001323676.2); c.859C>T, p.Arg287Ter (NM_001323677.2); c.628C>T, p.Arg210Ter (NM_001323678.2); and 3 more; short protein forms R210*, R213*, R227*, R234*, R281*, R284*, R285*, R287*.
Identifiers: ClinVar variation 5018512 (VCV005018512.2).